The following is an entry in ClinVar:

ClinVar aggregate classification (germline): Uncertain significance (1 of 4 stars; one submission).

Allele frequency attached by ClinVar (database versions not stated): gnomAD 0.00001; gnomAD exomes 0.00001; TOPMed 0.00001; ExAC 0.00008.

Submission:

Labcorp Genetics (formerly Invitae), Labcorp
Classification: Uncertain significance. Last evaluated: 2024-11-05. Review status: criteria provided, single submitter. Criteria: Invitae Variant Classification Sherloc (09022015). Collection method: clinical testing. Allele origin: germline.
Comment: This sequence change replaces valine, which is neutral and non-polar, with methionine, which is neutral and non-polar, at codon 95 of the RAX2 protein (p.Val95Met). The frequency data for this variant in the population databases is considered unreliable, as metrics indicate poor data quality at this position in the gnomAD database. This variant has not been reported in the literature in individuals affected with RAX2-related conditions. ClinVar contains an entry for this variant (Variation ID: 1411008). An algorithm developed to predict the effect of missense changes on protein structure and function outputs the following: PolyPhen-2: "Benign". The methionine amino acid residue is found in multiple mammalian species, which suggests that this missense change does not adversely affect protein function. In summary, the available evidence is currently insufficient to determine the role of this variant in disease. Therefore, it has been classified as a Variant of Uncertain Significance.

NM_001319074.4(RAX2):c.283G>A (p.Val95Met)

Gene: RAX2 (retina and anterior neural fold homeobox 2; minus strand). Cytogenetic location: 19p13.3.
Variant type: single nucleotide variant.
Coding change: c.283G>A on transcript NM_001319074.4 (MANE Select); coding-DNA position 283, G replaced by A.
Protein change: p.Val95Met; replaces valine 95 with methionine.
Molecular consequence: missense variant.
Genome position (GRCh38, 1-based): chr19:3,770,893, C>T on the plus strand (G>A on the coding strand, the complement: RAX2 is on the minus strand). VCF-style: chr19-3770893-C-T. GRCh37 (hg19) VCF-style: chr19-3770891-C-T.
Other names: c.283G>A, p.Val95Met (NM_032753.4); short protein forms V95M.
Identifiers: ClinVar variation 1411008 (VCV001411008.8), dbSNP rs762922416, ClinGen allele CA9085055.